The following is an entry in ClinVar:

ClinVar aggregate classification (germline): Pathogenic. Review status: reviewed by expert panel (3 of 4 stars). 14 submissions from 13 submitters: Pathogenic (1). 13 of the submissions do not count toward it. Last evaluated 2017-03-17.

Conditions:
CFTR-related disorder (CFTR-RD). Also called: CFTR-related disorders; CFTR-related condition. Identifiers: MedGen C5924204, MONDO:7770004.
Cystic fibrosis (CF). Also called: MUCOVISCIDOSIS. Identifiers: Orphanet 586, MedGen C0010674, MONDO:0009061, OMIM 219700. Disease mechanism: loss of function.
Congenital bilateral aplasia of vas deferens from CFTR mutation (CBAVD). Identifiers: Orphanet 48, MedGen C0403814, MONDO:0010178, OMIM 277180. Disease mechanism: loss of function.
Bronchiectasis with or without elevated sweat chloride 1 (BESC1). Also called: Cystic Fibrosis-Like Syndrome. Identifiers: Orphanet 60033, MedGen C2749757, MONDO:0008887, OMIM 211400.

Allele frequency attached by ClinVar (database versions not stated): gnomAD exomes 0.00001; TOPMed below 0.00001.
gnomAD v4.1: 5 of 1,614,146 alleles (0.00031%); highest among the groups gnomAD compares: Non-Finnish European, 0.00042%; no homozygotes.

Submissions (14):

CFTR2
Classification: Pathogenic for Cystic fibrosis. Last evaluated: 2017-03-17. Review status: reviewed by expert panel. Criteria: Sosnay PR et al. (Nat Genet 2013). Collection method: research. Allele origin: germline. Affected: yes. Study: CFTR2.

Labcorp Genetics (formerly Invitae), Labcorp
Classification: Pathogenic for Cystic fibrosis. Last evaluated: 2025-10-26. Review status: criteria provided, single submitter. Criteria: Invitae Variant Classification Sherloc (09022015). Collection method: clinical testing. Allele origin: germline. Not counted in ClinVar's aggregate classification.
Comment: This sequence change creates a premature translational stop signal (p.Lys710*) in the CFTR gene. It is expected to result in an absent or disrupted protein product. Loss-of-function variants in CFTR are known to be pathogenic (PMID: 1695717, 7691345, 9725922). This variant is not present in population databases (gnomAD no frequency). This premature translational stop signal has been observed in individual(s) with cystic fibrosis (PMID: 1379210, 10612827, 21520337, 23974870, 27086061). ClinVar contains an entry for this variant (Variation ID: 7203). For these reasons, this variant has been classified as Pathogenic.

Ambry Genetics
Classification: Pathogenic for Cystic fibrosis. Last evaluated: 2025-08-01. Review status: criteria provided, single submitter. Criteria: Ambry Variant Classification Scheme 2023. Collection method: clinical testing. Allele origin: germline. Not counted in ClinVar's aggregate classification.
Comment: The p.K710* pathogenic mutation (also known as c.2128A>T), located in coding exon 14 of the CFTR gene, results from an A to T substitution at nucleotide position 2128. This changes the amino acid from a lysine to a stop codon within coding exon 14. This variant is considered to be rare based on population cohorts in the Genome Aggregation Database (gnomAD). This alteration is expected to result in loss of function by premature protein truncation or nonsense-mediated mRNA decay. As such, this alteration is interpreted as a disease-causing mutation.

Johns Hopkins Genomics, Johns Hopkins University
Classification: Pathogenic for Cystic fibrosis. Last evaluated: 2025-04-29. Review status: criteria provided, single submitter. Criteria: ACMG Guidelines, 2015. Collection method: clinical testing. Allele origin: germline. Not counted in ClinVar's aggregate classification.
Comment: Disease-causing CFTR variant. See CFTR2 for phenotype information.

Quest Diagnostics Nichols Institute San Juan Capistrano
Classification: Pathogenic. Last evaluated: 2025-02-21. Review status: criteria provided, single submitter. Criteria: Quest Diagnostics criteria. Collection method: clinical testing. Allele origin: unknown. Not counted in ClinVar's aggregate classification.
Comment: The CFTR c.2128A>T (p.Lys710*) variant causes the premature termination of CFTR protein synthesis. This variant has been reported in the published literature in individuals with cystic fibrosis (CF) (PMIDs: 34525262 (2021), 32429104 (2020), 23974870 (2013), 18456578 (2008), 1379210 (1992)). This variant has not been reported in large, multi-ethnic general populations (Genome Aggregation Database). Based on the available information, this variant is classified as pathogenic.

Baylor Genetics
Classification: Pathogenic for Bronchiectasis with or without elevated sweat chloride 1. Last evaluated: 2023-09-04. Review status: criteria provided, single submitter. Criteria: ACMG Guidelines, 2015. Collection method: clinical testing. Allele origin: unknown. Not counted in ClinVar's aggregate classification.

Revvity Omics, Revvity
Classification: Pathogenic. Last evaluated: 2022-08-25. Review status: criteria provided, single submitter. Criteria: ACMG Guidelines, 2015. Collection method: clinical testing. Allele origin: germline. Not counted in ClinVar's aggregate classification.

Women's Health and Genetics/Laboratory Corporation of America, LabCorp
Classification: Pathogenic for Cystic fibrosis. Last evaluated: 2022-02-11. Review status: criteria provided, single submitter. Criteria: LabCorp Variant Classification Summary - May 2015. Collection method: clinical testing. Allele origin: germline. Not counted in ClinVar's aggregate classification.
Comment: Variant summary: CFTR c.2128A>T (p.Lys710X) results in a premature termination codon, predicted to cause a truncation of the encoded protein or absence of the protein due to nonsense mediated decay, which are commonly known mechanisms for disease. Truncations downstream of this position have been classified as pathogenic by our laboratory. The variant was absent in 250858 control chromosomes. c.2128A>T has been reported in the literature in multiple individuals affected with Cystic Fibrosis (examples: des Georges_2004, Fanen_1992, Alonso_2007). Five clinical diagnostic laboratories have submitted clinical-significance assessments for this variant to ClinVar after 2014 without evidence for independent evaluation. All laboratories classified the variant as pathogenic. Based on the evidence outlined above, the variant was classified as pathogenic.

Myriad Genetics, Inc.
Classification: Pathogenic for Cystic fibrosis. Last evaluated: 2019-12-04. Review status: criteria provided, single submitter. Criteria: Myriad Women's Health Autosomal Recessive and X-Linked Classification Criteria (2019). Collection method: clinical testing. Allele origin: unknown. Not counted in ClinVar's aggregate classification.
Comment: NM_000492.3(CFTR):c.2128A>T(K710*) is classified as pathogenic in the context of cystic fibrosis and is associated with the classic form of the disease. Sources cited for classification include the following: PMID 23974870, 1379210 and 18456578. Classification of NM_000492.3(CFTR):c.2128A>T(K710*) is based on the following criteria: The variant causes a premature termination codon that is expected to be targeted by nonsense-mediated mRNA decay and is reported in individuals with the relevant phenotype. Please note: this variant was assessed in the context of healthy population screening.

CFTR-France
Classification: Pathogenic for cystic fibrosis. Last evaluated: 2018-01-29. Review status: criteria provided, single submitter. Criteria: Claustres M et al. (Hum Mutat 2017). Collection method: curation. Allele origin: germline. Affected: yes. Not counted in ClinVar's aggregate classification.

Baylor Genetics
Classification: Pathogenic for Congenital bilateral aplasia of vas deferens from CFTR mutation; Cystic fibrosis. Review status: criteria provided, single submitter. Criteria: ACMG Guidelines, 2015. Collection method: clinical testing. Allele origin: germline. Not counted in ClinVar's aggregate classification.

Clinical Genetics Service, Universitary Hospital 12 de Octubre
Classification: Pathogenic for Cystic fibrosis. Review status: criteria provided, single submitter. Criteria: ACMG Guidelines, 2015. Collection method: clinical testing. Allele origin: germline. Affected: yes. Not counted in ClinVar's aggregate classification.

Natera, Inc.
Classification: Pathogenic for CFTR-related disorders. Last evaluated: 2017-03-17. Review status: no assertion criteria provided. Collection method: clinical testing. Allele origin: germline. Not counted in ClinVar's aggregate classification.

OMIM
Classification: Pathogenic for CYSTIC FIBROSIS. Last evaluated: 1993-01-01. Review status: no assertion criteria provided. Collection method: literature only. Allele origin: germline. Not counted in ClinVar's aggregate classification.

Literature cited by the submitters: PubMed 1695717 (cited by Labcorp Genetics (formerly Invitae), Labcorp); PubMed 7691345 (cited by Labcorp Genetics (formerly Invitae), Labcorp); PubMed 9725922 (cited by Labcorp Genetics (formerly Invitae), Labcorp); PubMed 1379210 (cited by 4 submitters); PubMed 10612827 (cited by Labcorp Genetics (formerly Invitae), Labcorp); PubMed 21520337 (cited by Labcorp Genetics (formerly Invitae), Labcorp); PubMed 23974870 (cited by 4 submitters); PubMed 27086061 (cited by Labcorp Genetics (formerly Invitae), Labcorp); PubMed 32429104 (cited by Quest Diagnostics Nichols Institute San Juan Capistrano); PubMed 34525262 (cited by Quest Diagnostics Nichols Institute San Juan Capistrano); PubMed 18456578 (cited by Quest Diagnostics Nichols Institute San Juan Capistrano and Myriad Genetics, Inc.); PubMed 17331079 (cited by Women's Health and Genetics/Laboratory Corporation of America, LabCorp); PubMed 21184098 (cited by Women's Health and Genetics/Laboratory Corporation of America, LabCorp); PubMed 15698946 (cited by Women's Health and Genetics/Laboratory Corporation of America, LabCorp); PubMed 7504969 (cited by OMIM).

NM_000492.4(CFTR):c.2128A>T (p.Lys710Ter)

Gene: CFTR (CF transmembrane conductance regulator; plus strand). Cytogenetic location: 7q31.2.
Variant type: single nucleotide variant.
Coding change: c.2128A>T on transcript NM_000492.4 (MANE Select); coding-DNA position 2128, A replaced by T.
Protein change: p.Lys710Ter; replaces lysine 710 with a stop codon.
Molecular consequence: nonsense.
Genome position (GRCh38, 1-based): chr7:117,592,295, A>T. VCF-style: chr7-117592295-A-T. GRCh37 (hg19) VCF-style: chr7-117232349-A-T.
Other names: short protein forms K710*.
Identifiers: ClinVar variation 7203 (VCV000007203.31), dbSNP rs75115087, ClinGen allele CA325588.